The following is an entry in ClinVar:

NM_001363711.2(DUOX2):c.1832-9C>G

Gene: DUOX2 (dual oxidase 2; minus strand). Cytogenetic location: 15q21.1.
Variant type: single nucleotide variant.
Coding change: c.1832-9C>G on transcript NM_001363711.2 (MANE Select); 9 bases into the intron before coding-DNA position 1832, C replaced by G.
Molecular consequence: intron variant.
Genome position (GRCh38, 1-based): chr15:45,106,650, G>C on the plus strand (C>G on the coding strand, the complement: DUOX2 is on the minus strand). VCF-style: chr15-45106650-G-C. GRCh37 (hg19) VCF-style: chr15-45398848-G-C.
Other names: c.1832-9C>G (NM_014080.5).
Identifiers: ClinVar variation 2842595 (VCV002842595.3), dbSNP rs1259618509, ClinGen allele CA2739279348.

ClinVar aggregate classification (germline): Uncertain significance (1 of 4 stars; one submission).

Submission:

Labcorp Genetics (formerly Invitae), Labcorp
Classification: Uncertain significance. Last evaluated: 2023-03-03. Review status: criteria provided, single submitter. Criteria: Invitae Variant Classification Sherloc (09022015). Collection method: clinical testing. Allele origin: germline.
Comment: In summary, the available evidence is currently insufficient to determine the role of this variant in disease. Therefore, it has been classified as a Variant of Uncertain Significance. Algorithms developed to predict the effect of sequence changes on RNA splicing suggest that this variant may create or strengthen a splice site. This variant has not been reported in the literature in individuals affected with DUOX2-related conditions. This variant is not present in population databases (gnomAD no frequency). This sequence change falls in intron 15 of the DUOX2 gene. It does not directly change the encoded amino acid sequence of the DUOX2 protein.